The following is an entry in ClinVar:

NM_006379.5(SEMA3C):c.368A>G (p.Asn123Ser)

Gene: SEMA3C (semaphorin 3C; minus strand). Cytogenetic location: 7q21.11.
Variant type: single nucleotide variant.
Coding change: c.368A>G on transcript NM_006379.5 (MANE Select); coding-DNA position 368, A replaced by G.
Protein change: p.Asn123Ser; replaces asparagine 123 with serine.
Molecular consequence: missense variant.
Genome position (GRCh38, 1-based): chr7:80,818,378, T>C on the plus strand (A>G on the coding strand, the complement: SEMA3C is on the minus strand). VCF-style: chr7-80818378-T-C. GRCh37 (hg19) VCF-style: chr7-80447694-T-C.
Other names: c.422A>G, p.Asn141Ser (NM_001350120.2); c.194A>G, p.Asn65Ser (NM_001350121.2); c.368A>G (NM_006379.3); short protein forms N123S, N141S, N65S.
Identifiers: ClinVar variation 3354322 (VCV003354322.2).
Genomic context (GRCh38, chr7:80,818,378, plus strand): 5'-TTCAAGTAAGTACAGACAGGACTGAAAGCGCCACTCCCACAGACATACAAATGTGTGCGA[T>C]TGAAAGTCTGAATTACACGGACAAAGTTCCCACAGCCGTGCTAAAAGAATCAGTAAATAA-3'
Protein context (NP_006370.1, residues 113-133): GNFVRVIQTF[Asn123Ser]RTHLYVCGSG

ClinVar aggregate classification (germline): Uncertain significance. Review status: criteria provided, single submitter (1 of 4 stars). 2 submissions from 2 submitters: Uncertain significance (1). 1 of the submissions does not count toward it. Last evaluated 2024-12-25.

Conditions:
SEMA3C-related disorder. Also called: SEMA3C-related condition.

gnomAD v4.1: 30 of 1,613,466 alleles (0.0019%); highest among the groups gnomAD compares: African/African-American, 0.004%; no homozygotes.

Submissions (2):

Ambry Genetics
Classification: Uncertain significance. Last evaluated: 2024-12-25. Review status: criteria provided, single submitter. Criteria: Ambry Variant Classification Scheme 2023. Collection method: clinical testing. Allele origin: germline.

PreventionGenetics, part of Exact Sciences
Classification: Uncertain significance for SEMA3C-related condition. Last evaluated: 2024-01-17. Review status: no assertion criteria provided. Collection method: clinical testing. Allele origin: germline. Not counted in ClinVar's aggregate classification.
Comment: The SEMA3C c.422A>G variant is predicted to result in the amino acid substitution p.Asn141Ser. To our knowledge, this variant has not been reported in the literature. This variant is reported in 0.0040% of alleles in individuals of African descent in gnomAD. At this time, the clinical significance of this variant is uncertain due to the absence of conclusive functional and genetic evidence.